The following is an entry in ClinVar:

NM_000018.4(ACADVL):c.513C>G (p.Asp171Glu)

Gene: ACADVL (acyl-CoA dehydrogenase very long chain; plus strand). Cytogenetic location: 17p13.1.
Variant type: single nucleotide variant.
Coding change: c.513C>G on transcript NM_000018.4 (MANE Select); coding-DNA position 513, C replaced by G.
Protein change: p.Asp171Glu; replaces aspartic acid 171 with glutamic acid.
Molecular consequence: missense variant.
Genome position (GRCh38, 1-based): chr17:7,221,573, C>G. VCF-style: chr17-7221573-C-G. GRCh37 (hg19) VCF-style: chr17-7124892-C-G.
Other names: c.447C>G, p.Asp149Glu (NM_001033859.3); c.582C>G, p.Asp194Glu (NM_001270447.2); c.285C>G, p.Asp95Glu (NM_001270448.2); short protein forms D194E, D95E, D149E, D171E.
Identifiers: ClinVar variation 932790 (VCV000932790.5), dbSNP rs2071227581, ClinGen allele CA397723071.

ClinVar aggregate classification (germline): Conflicting classifications of pathogenicity. Review status: criteria provided, conflicting classifications (1 of 4 stars). 3 submissions from 3 submitters: Likely pathogenic (1); Uncertain significance (2). Last evaluated 2024-02-17.

Conditions:
Very long chain acyl-CoA dehydrogenase deficiency (ACADVLD). Also called: Very Long-Chain Acyl-Coenzyme A Dehydrogenase Deficiency; VLCAD Deficiency. Identifiers: Orphanet 26793, MedGen C3887523, MONDO:0008723, OMIM 201475.

Allele frequency attached by ClinVar (database versions not stated): gnomAD exomes below 0.00001.
gnomAD v4.1: 1 of 1,614,068 alleles (0.000062%); no homozygotes.

Submissions (3):

Labcorp Genetics (formerly Invitae), Labcorp
Classification: Uncertain significance for Very long chain acyl-CoA dehydrogenase deficiency. Last evaluated: 2024-02-17. Review status: criteria provided, single submitter. Criteria: Invitae Variant Classification Sherloc (09022015). Collection method: clinical testing. Allele origin: germline.
Comment: This sequence change replaces aspartic acid, which is acidic and polar, with glutamic acid, which is acidic and polar, at codon 171 of the ACADVL protein (p.Asp171Glu). This variant is not present in population databases (gnomAD no frequency). This missense change has been observed in individual(s) with very long-chain acyl-CoA dehydrogenase deficiency (PMID: 30194637). ClinVar contains an entry for this variant (Variation ID: 932790). Advanced modeling of protein sequence and biophysical properties (such as structural, functional, and spatial information, amino acid conservation, physicochemical variation, residue mobility, and thermodynamic stability) performed at Invitae indicates that this missense variant is expected to disrupt ACADVL protein function with a positive predictive value of 95%. In summary, the available evidence is currently insufficient to determine the role of this variant in disease. Therefore, it has been classified as a Variant of Uncertain Significance.

Women's Health and Genetics/Laboratory Corporation of America, LabCorp
Classification: Uncertain significance. Last evaluated: 2023-10-27. Review status: criteria provided, single submitter. Criteria: LabCorp Variant Classification Summary - May 2015. Collection method: clinical testing. Allele origin: germline.
Comment: Variant summary: ACADVL c.513C>G (p.Asp171Glu) results in a conservative amino acid change located in the Acyl-CoA dehydrogenase/oxidase, N terminal domain (IPR013786) of the encoded protein sequence. Four of five in-silico tools predict a damaging effect of the variant on protein function. The variant was absent in 251470 control chromosomes (gnomAD). The available data on variant occurrences in the general population are insufficient to allow any conclusion about variant significance. c.513C>G has been reported in the literature in at-least one newborn diagnosed with Very Long Chain Acyl-CoA Dehydrogenase Deficiency with a non-informative genotype (Hesse_2018). This report does not provide unequivocal conclusions about association of the variant with Very Long Chain Acyl-CoA Dehydrogenase Deficiency. To our knowledge, no experimental evidence demonstrating an impact on protein function has been reported. The following publication has been ascertained in the context of this evaluation (PMID: 30194637). One submitter has cited clinical-significance assessments for this variant to ClinVar after 2014 and has classified the variant as likely pathogenic. Based on the evidence outlined above, the variant was classified as uncertain significance.

Wong Mito Lab, Molecular and Human Genetics, Baylor College of Medicine
Classification: Likely pathogenic for Very long chain acyl-CoA dehydrogenase deficiency. Last evaluated: 2019-11-01. Review status: criteria provided, single submitter. Criteria: ACMG Guidelines, 2015. Collection method: clinical testing. Allele origin: germline.
Comment: The NM_000018.3:c.513C>G (NP_000009.1:p.Asp171Glu) [GRCH38: NC_000017.11:g.7221573C>G] variant in ACADVL gene is interpretated to be Likely pathogenic based on ACMG guidelines (PMID: 25741868). This variant has been reported. This variant meets the following evidence codes reported in the ACMG guidelines: PM1, PM3, PP3, PP4

Literature cited by the submitters: PubMed 30194637 (cited by Labcorp Genetics (formerly Invitae), Labcorp and Women's Health and Genetics/Laboratory Corporation of America, LabCorp).